The following is an entry in ClinVar:

NM_004525.3(LRP2):c.2851C>T (p.Arg951Ter)

Gene: LRP2 (LDL receptor related protein 2; minus strand). Cytogenetic location: 2q31.1.
Variant type: single nucleotide variant.
Coding change: c.2851C>T on transcript NM_004525.3 (MANE Select); coding-DNA position 2851, C replaced by T.
Protein change: p.Arg951Ter; replaces arginine 951 with a stop codon.
Molecular consequence: nonsense.
Genome position (GRCh38, 1-based): chr2:169,247,435, G>A on the plus strand (C>T on the coding strand, the complement: LRP2 is on the minus strand). VCF-style: chr2-169247435-G-A. GRCh37 (hg19) VCF-style: chr2-170103945-G-A.
Other names: short protein forms R951*.
Identifiers: ClinVar variation 4762500 (VCV004762500.1).
Genomic context (GRCh38, chr2:169,247,435, plus strand): 5'-CACCAGTCTGGATGTTGACATCATACGATTTCAAATGCAGTATGTAAGCAATGCCACTTC[G>A]GATAACTGTCATTTCTCCACCATCTGCTTTCCTGACTCGAATAATGGCACCCAGTCTCCA-3'

ClinVar aggregate classification (germline): Pathogenic (1 of 4 stars; one submission).

gnomAD v4.1: 1 of 1,613,970 alleles (0.000062%); highest among the groups gnomAD compares: Non-Finnish European, 0.000085%; no homozygotes.

Submission:

Labcorp Genetics (formerly Invitae), Labcorp
Classification: Pathogenic. Last evaluated: 2025-07-08. Review status: criteria provided, single submitter. Criteria: Invitae Variant Classification Sherloc (09022015). Collection method: clinical testing. Allele origin: germline.
Comment: This sequence change creates a premature translational stop signal (p.Arg951*) in the LRP2 gene. It is expected to result in an absent or disrupted protein product. Loss-of-function variants in LRP2 are known to be pathogenic (PMID: 17632512, 25682901). This variant is present in population databases (no rsID available, gnomAD 0.0009%). This variant has not been reported in the literature in individuals affected with LRP2-related conditions. For these reasons, this variant has been classified as Pathogenic.

Literature cited by the submitters: PubMed 17632512; PubMed 25682901.